The following is an entry in ClinVar:

ClinVar aggregate classification (germline): Uncertain significance (1 of 4 stars; one submission).

Conditions:
MOGS-congenital disorder of glycosylation. Also called: CDG IIb; MOGS-CDG; CDG 2B; GLUCOSIDASE I DEFICIENCY. Identifiers: Orphanet 79330, MedGen C1853736, MONDO:0011629, OMIM 606056.

Allele frequency attached by ClinVar (database versions not stated): ExAC below 0.00001; gnomAD exomes 0.00001; gnomAD 0.00006; TOPMed 0.00006.
gnomAD v4.1: 12 of 1,555,880 alleles (0.00077%); highest among the groups gnomAD compares: African/African-American, 0.016%; no homozygotes.

Submission:

Labcorp Genetics (formerly Invitae), Labcorp
Classification: Uncertain significance for MOGS-congenital disorder of glycosylation. Last evaluated: 2019-12-31. Review status: criteria provided, single submitter. Criteria: Invitae Variant Classification Sherloc (09022015). Collection method: clinical testing. Allele origin: germline.
Comment: This sequence change replaces tryptophan with cysteine at codon 61 of the MOGS protein (p.Trp61Cys). The tryptophan residue is moderately conserved and there is a large physicochemical difference between tryptophan and cysteine. The frequency data for this variant in the population databases is considered unreliable, as metrics indicate poor data quality at this position in the ExAC database. This variant has not been reported in the literature in individuals with MOGS-related conditions. Algorithms developed to predict the effect of missense changes on protein structure and function are either unavailable or do not agree on the potential impact of this missense change (SIFT: "Deleterious"; PolyPhen-2: "Probably Damaging"; Align-GVGD: "Class C0"). In summary, the available evidence is currently insufficient to determine the role of this variant in disease. Therefore, it has been classified as a Variant of Uncertain Significance.

NM_006302.3(MOGS):c.183G>T (p.Trp61Cys)

Genes: MOGS (mannosyl-oligosaccharide glucosidase; minus strand), LOC129934128 (ATAC-STARR-seq lymphoblastoid silent region 11664; plus strand). Cytogenetic location: 2p13.1.
Variant type: single nucleotide variant.
Coding change: c.183G>T on transcript NM_006302.3 (MANE Select); coding-DNA position 183, G replaced by T.
Protein change: p.Trp61Cys; replaces tryptophan 61 with cysteine.
Molecular consequence: missense variant. On other transcripts: intron variant (1).
Genome position (GRCh38, 1-based): chr2:74,465,065, C>A on the plus strand (G>T on the coding strand, the complement: MOGS is on the minus strand). VCF-style: chr2-74465065-C-A. GRCh37 (hg19) VCF-style: chr2-74692192-C-A.
Other names: c.-58-78G>T (NM_001146158.2); short protein forms W61C.
Identifiers: ClinVar variation 850734 (VCV000850734.9), dbSNP rs756379257, ClinGen allele CA1725101.
Genomic context (GRCh38, chr2:74,465,065, plus strand): 5'-CAACACAGGAGGCGCGGAGTGCAGCGTGACCGCCCGCCGCGCACGGTACCACGCCAGCAC[C>A]CAGCGCCCCGACATACCCAGGGCCAAAGACAGGACCACGACGGCCAGAGCCACTCCTCCA-3'
Protein context (NP_006293.2, residues 51-71): LSLALGMSGR[Trp61Cys]VLAWYRARRA